The following is an entry in ClinVar:

ClinVar aggregate classification (germline): Conflicting classifications of pathogenicity. Review status: criteria provided, conflicting classifications (1 of 4 stars). 6 submissions from 6 submitters: Uncertain significance (1); Benign (1); Likely benign (3). 1 of the submissions does not count toward it. Last evaluated 2026-01-16.

Conditions:
UMOD-related disorder. Also called: UMOD-related condition.
Kidney disorder. Also called: Kidney disease; Kidney Diseases; renal disease; Nephropathy; renal disorder. Identifiers: MedGen C0022658, MONDO:0005240, HP:0000112.

Allele frequency attached by ClinVar (database versions not stated): gnomAD exomes 0.00036 and 0.00091; ExAC 0.00100; 1000 Genomes Project 0.00260; 1000 Genomes Project 30x 0.00281; ESP Exome Variant Server 0.00338; gnomAD 0.00349 and 0.00382; TOPMed 0.00403.
gnomAD v4.1: 1,105 of 1,614,124 alleles (0.068%); highest among the groups gnomAD compares: African/African-American, 1.3%; 4 homozygotes.

Submissions (6):

Labcorp Genetics (formerly Invitae), Labcorp
Classification: Benign. Last evaluated: 2026-01-16. Review status: criteria provided, single submitter. Criteria: Invitae Variant Classification Sherloc (09022015). Collection method: clinical testing. Allele origin: germline.

Mayo Clinic Laboratories, Mayo Clinic
Classification: Likely benign. Last evaluated: 2025-03-05. Review status: criteria provided, single submitter. Criteria: ACMG Guidelines, 2015. Collection method: clinical testing. Allele origin: germline. Observed: 2 variant alleles.
Comment: BS1

Blueprint Genetics
Classification: Likely benign. Last evaluated: 2024-11-25. Review status: criteria provided, single submitter. Criteria: ACMG Guidelines, 2015. Collection method: clinical testing. Allele origin: germline.

GeneDx
Classification: Likely benign. Last evaluated: 2023-01-30. Review status: criteria provided, single submitter. Criteria: GeneDx Variant Classification Process June 2021. Collection method: clinical testing. Allele origin: germline. Affected: yes.
Comment: See Variant Classification Assertion Criteria.

Genome Diagnostics Laboratory, The Hospital for Sick Children
Classification: Uncertain significance for Kidney disorder. Last evaluated: 2016-12-12. Review status: criteria provided, single submitter. Criteria: ACMG Guidelines, 2015. Collection method: clinical testing. Allele origin: germline.

PreventionGenetics, part of Exact Sciences
Classification: Benign for UMOD-related condition. Last evaluated: 2019-07-24. Review status: no assertion criteria provided. Collection method: clinical testing. Allele origin: germline. Not counted in ClinVar's aggregate classification.
Comment: This variant is classified as benign based on ACMG/AMP sequence variant interpretation guidelines (Richards et al. 2015 PMID: 25741868, with internal and published modifications).

NM_003361.4(UMOD):c.1754C>T (p.Thr585Ile)

Gene: UMOD (uromodulin; minus strand). Cytogenetic location: 16p12.3.
Variant type: single nucleotide variant.
Coding change: c.1754C>T on transcript NM_003361.4 (MANE Select); coding-DNA position 1754, C replaced by T.
Protein change: p.Thr585Ile; replaces threonine 585 with isoleucine.
Molecular consequence: missense variant. On other transcripts: non-coding transcript variant (1).
Genome position (GRCh38, 1-based): chr16:20,336,714, G>A on the plus strand (C>T on the coding strand, the complement: UMOD is on the minus strand). VCF-style: chr16-20336714-G-A. GRCh37 (hg19) VCF-style: chr16-20348036-G-A.
Other names: p.Thr585Ile; c.1754C>T (NM_003361.2); c.1754C>T, p.Thr585Ile (NM_001008389.3, NM_001378232.1, NM_001378233.1); c.1853C>T, p.Thr618Ile (NM_001278614.2); c.1895C>T, p.Thr632Ile (NM_001378234.1, NM_001378235.1); short protein forms T585I, T618I, T632I.
Identifiers: ClinVar variation 733025 (VCV000733025.17), dbSNP rs111992415, ClinGen allele CA7939030.